The following is an entry in ClinVar:

NM_001273.5(CHD4):c.3379C>T (p.Arg1127Ter)

Gene: CHD4 (chromodomain helicase DNA binding protein 4; minus strand). Cytogenetic location: 12p13.31.
Variant type: single nucleotide variant.
Coding change: c.3379C>T on transcript NM_001273.5 (MANE Select); coding-DNA position 3379, C replaced by T.
Protein change: p.Arg1127Ter; replaces arginine 1127 with a stop codon.
Molecular consequence: nonsense.
Genome position (GRCh38, 1-based): chr12:6,588,384, G>A on the plus strand (C>T on the coding strand, the complement: CHD4 is on the minus strand). VCF-style: chr12-6588384-G-A. GRCh37 (hg19) VCF-style: chr12-6697550-G-A.
Other names: c.3358C>T, p.Arg1120Ter (NM_001297553.2); c.3340C>T, p.Arg1114Ter (NM_001363606.2); short protein forms R1114*, R1120*, R1127*.
Identifiers: ClinVar variation 1304430 (VCV001304430.2), dbSNP rs747971011, ClinGen allele CA383582855.

ClinVar aggregate classification (germline): Uncertain significance (1 of 4 stars; one submission).

gnomAD v4.1: 1 of 1,614,158 alleles (0.000062%); highest among the groups gnomAD compares: Non-Finnish European, 0.000085%; no homozygotes.

Submission:

GeneDx
Classification: Uncertain significance. Last evaluated: 2020-12-31. Review status: criteria provided, single submitter. Criteria: GeneDx Variant Classification Process June 2021. Collection method: clinical testing. Allele origin: germline. Affected: yes.
Comment: Not observed in large population cohorts (Lek et al., 2016); Nonsense variant predicted to result in protein truncation or nonsense mediated decay in a gene for which loss-of-function is not a known mechanism of disease; Has not been previously published as pathogenic or benign to our knowledge